The following is an entry in ClinVar:

NM_001286445.3(RIPOR2):c.1202C>T (p.Ala401Val)

Gene: RIPOR2 (RHO family interacting cell polarization regulator 2; minus strand). Cytogenetic location: 6p22.3.
Variant type: single nucleotide variant.
Coding change: c.1202C>T on transcript NM_001286445.3 (MANE Select); coding-DNA position 1202, C replaced by T.
Protein change: p.Ala401Val; replaces alanine 401 with valine.
Molecular consequence: missense variant.
Genome position (GRCh38, 1-based): chr6:24,843,517, G>A on the plus strand (C>T on the coding strand, the complement: RIPOR2 is on the minus strand). VCF-style: chr6-24843517-G-A. GRCh37 (hg19) VCF-style: chr6-24843745-G-A.
Other names: c.1217C>T, p.Ala406Val (NM_001286446.3); c.1115C>T, p.Ala372Val (NM_001286447.2, NM_001346031.2, NM_001346032.2 and 1 more transcripts); c.1265C>T, p.Ala422Val (NM_014722.5); short protein forms A372V, A401V, A406V, A422V.
Identifiers: ClinVar variation 4774250 (VCV004774250.1).

ClinVar aggregate classification (germline): Uncertain significance (1 of 4 stars; one submission).

gnomAD v4.1: 11 of 1,532,554 alleles (0.00072%); highest among the groups gnomAD compares: East Asian, 0.025%; no homozygotes.

Submission:

Labcorp Genetics (formerly Invitae), Labcorp
Classification: Uncertain significance. Last evaluated: 2025-05-25. Review status: criteria provided, single submitter. Criteria: Invitae Variant Classification Sherloc (09022015). Collection method: clinical testing. Allele origin: germline.
Comment: This sequence change replaces alanine, which is neutral and non-polar, with valine, which is neutral and non-polar, at codon 422 of the FAM65B protein (p.Ala422Val). The frequency data for this variant in the population databases is considered unreliable, as metrics indicate poor data quality at this position in the gnomAD database. This variant has not been reported in the literature in individuals affected with FAM65B-related conditions. An algorithm developed to predict the effect of missense changes on protein structure and function outputs the following: PolyPhen-2: "Benign". The valine amino acid residue is found in multiple mammalian species, which suggests that this missense change does not adversely affect protein function. In summary, the available evidence is currently insufficient to determine the role of this variant in disease. Therefore, it has been classified as a Variant of Uncertain Significance.